The following is an entry in ClinVar:

ClinVar aggregate classification (germline): Uncertain significance (1 of 4 stars; one submission).

Submission:

Ambry Genetics
Classification: Uncertain significance. Last evaluated: 2023-11-05. Review status: criteria provided, single submitter. Criteria: Ambry Variant Classification Scheme 2023. Collection method: clinical testing. Allele origin: germline.
Comment: The p.E611K variant (also known as c.1831G>A), located in coding exon 13 of the NPAT gene, results from a G to A substitution at nucleotide position 1831. The glutamic acid at codon 611 is replaced by lysine, an amino acid with similar properties. This amino acid position is conserved. In addition, this alteration is predicted to be tolerated by in silico analysis. Since supporting evidence is limited at this time, the clinical significance of this alteration remains unclear.

NM_002519.3(NPAT):c.1831G>A (p.Glu611Lys)

Gene: NPAT (nuclear protein, coactivator of histone transcription; minus strand). Cytogenetic location: 11q22.3.
Variant type: single nucleotide variant.
Coding change: c.1831G>A on transcript NM_002519.3 (MANE Select); coding-DNA position 1831, G replaced by A.
Protein change: p.Glu611Lys; replaces glutamic acid 611 with lysine.
Molecular consequence: missense variant.
Genome position (GRCh38, 1-based): chr11:108,173,153, C>T on the plus strand (G>A on the coding strand, the complement: NPAT is on the minus strand). VCF-style: chr11-108173153-C-T. GRCh37 (hg19) VCF-style: chr11-108043880-C-T.
Other names: c.1831G>A, p.Glu611Lys (NM_001321307.1); short protein forms E611K.
Identifiers: ClinVar variation 3222494 (VCV003222494.1), dbSNP rs2134836956, ClinGen allele CA382514261.
Genomic context (GRCh38, chr11:108,173,153, plus strand): 5'-AAGACAGCGAATCTCCAAGATGAATTTCTACTTGTCCAGATACATTTAAATGTGAACTTT[C>T]AACAGACACAGGTAGTATTTCACTTTGAAGACAAGAATTATCTTGGCAATTTGATAGCTG-3'
Protein context (NP_002510.2, residues 601-621): LQSEILPVSV[Glu611Lys]SSHLNVSGQV